The following is an entry in ClinVar:

ClinVar aggregate classification (germline): Uncertain significance (1 of 4 stars; one submission).

Conditions:
Cardiovascular phenotype. Identifiers: MedGen CN230736.

Submission:

Ambry Genetics
Classification: Uncertain significance for Cardiovascular phenotype. Last evaluated: 2023-02-14. Review status: criteria provided, single submitter. Criteria: Ambry Variant Classification Scheme 2023. Collection method: clinical testing. Allele origin: germline.
Comment: The p.W185S variant (also known as c.554G>C), located in coding exon 2 of the NKX2-5 gene, results from a G to C substitution at nucleotide position 554. The tryptophan at codon 185 is replaced by serine, an amino acid with highly dissimilar properties. This amino acid position is conserved. In addition, this alteration is predicted to be deleterious by in silico analysis. Since supporting evidence is limited at this time, the clinical significance of this alteration remains unclear.

NM_004387.4(NKX2-5):c.554G>C (p.Trp185Ser)

Gene: NKX2-5 (NK2 homeobox 5; minus strand). Cytogenetic location: 5q35.1.
Variant type: single nucleotide variant.
Coding change: c.554G>C on transcript NM_004387.4 (MANE Select); coding-DNA position 554, G replaced by C.
Protein change: p.Trp185Ser; replaces tryptophan 185 with serine.
Molecular consequence: missense variant. On other transcripts: 3 prime UTR variant (2).
Genome position (GRCh38, 1-based): chr5:173,232,990, C>G on the plus strand (G>C on the coding strand, the complement: NKX2-5 is on the minus strand). VCF-style: chr5-173232990-C-G. GRCh37 (hg19) VCF-style: chr5-172659993-C-G.
Other names: c.*507G>C (NM_001166175.2); c.*353G>C (NM_001166176.2); short protein forms W185S.
Identifiers: ClinVar variation 2452063 (VCV002452063.2), dbSNP rs797045792, ClinGen allele CA362161625.